The following is an entry in ClinVar:

NM_001375405.1(CEP120):c.2449C>T (p.Gln817Ter)

Gene: CEP120 (centrosomal protein 120; minus strand). Cytogenetic location: 5q23.2.
Variant type: single nucleotide variant.
Coding change: c.2449C>T on transcript NM_001375405.1 (MANE Select); coding-DNA position 2449, C replaced by T.
Protein change: p.Gln817Ter; replaces glutamine 817 with a stop codon.
Molecular consequence: nonsense. On other transcripts: non-coding transcript variant (1).
Genome position (GRCh38, 1-based): chr5:123,372,682, G>A on the plus strand (C>T on the coding strand, the complement: CEP120 is on the minus strand). VCF-style: chr5-123372682-G-A. GRCh37 (hg19) VCF-style: chr5-122708376-G-A.
Other names: c.2371C>T, p.Gln791Ter (NM_001166226.2); c.2314C>T, p.Gln772Ter (NM_001375406.1); c.2449C>T, p.Gln817Ter (NM_001375407.1, NM_153223.4); c.1876C>T, p.Gln626Ter (NM_001375408.1, NM_001375409.1); short protein forms Q772*, Q791*, Q626*, Q817*.
Identifiers: ClinVar variation 2060553 (VCV002060553.4), dbSNP rs1228099402, ClinGen allele CA360897763.

ClinVar aggregate classification (germline): Pathogenic (1 of 4 stars; one submission).

Conditions:
Short-rib thoracic dysplasia 13 with or without polydactyly (SRTD13). Identifiers: Orphanet 474, MedGen C4225378, MONDO:0014577, OMIM 616300.

Allele frequency attached by ClinVar (database versions not stated): gnomAD exomes below 0.00001.
gnomAD v4.1: 2 of 1,612,156 alleles (0.00012%); highest among the groups gnomAD compares: Non-Finnish European, 0.00017%; no homozygotes.

Submission:

Labcorp Genetics (formerly Invitae), Labcorp
Classification: Pathogenic for Short-rib thoracic dysplasia 13 with or without polydactyly. Last evaluated: 2022-08-31. Review status: criteria provided, single submitter. Criteria: Invitae Variant Classification Sherloc (09022015). Collection method: clinical testing. Allele origin: germline.
Comment: For these reasons, this variant has been classified as Pathogenic. This sequence change creates a premature translational stop signal (p.Gln817*) in the CEP120 gene. It is expected to result in an absent or disrupted protein product. Loss-of-function variants in CEP120 are known to be pathogenic (PMID: 25251415, 27208211). This variant is present in population databases (no rsID available, gnomAD 0.0009%). This variant has not been reported in the literature in individuals affected with CEP120-related conditions.

Literature cited by the submitters: PubMed 25251415; PubMed 27208211.